The following is an entry in ClinVar:

ClinVar aggregate classification (germline): Uncertain significance (1 of 4 stars; one submission).

Submission:

GeneDx
Classification: Uncertain significance. Last evaluated: 2026-02-18. Review status: criteria provided, single submitter. Criteria: GeneDx Variant Classification Process June 2021. Collection method: clinical testing. Allele origin: germline.
Comment: Not observed at significant frequency in large population cohorts (gnomAD); In-frame deletion of 1 amino acid(s) in a non-repeat region; In silico analysis suggests that this variant does not alter protein structure/function; Has not been previously published as pathogenic or benign to our knowledge

NM_020706.2(SCAF4):c.2908_2910del (p.Ser970del)

Gene: SCAF4 (SR-related CTD associated factor 4; minus strand). Cytogenetic location: 21q22.11.
Variant type: Deletion.
Coding change: c.2908_2910del on transcript NM_020706.2 (MANE Select); coding-DNA positions 2908 to 2910, 3 bases deleted (TCA; older notation c.2908_2910delTCA).
Protein change: p.Ser970del; deletes serine 970.
Molecular consequence: inframe deletion.
Genome position (GRCh38, 1-based): chr21:31,671,933-31,671,935, TGA deleted on the plus strand (TCA on the coding strand, the reverse complement: SCAF4 is on the minus strand); deleting any 3 consecutive bases within chr21:31,671,933-31,671,937 gives the same sequence; the c. name uses the placement nearest the transcript's 3' end. VCF-style (leftmost placement, unchanged base first): chr21-31671932-GTGA-G. GRCh37 (hg19) VCF-style: chr21-33044245-GTGA-G.
Other names: c.2863_2865del, p.Ser955del (NM_001145444.1); c.2842_2844del, p.Ser948del (NM_001145445.1); short protein forms S948del, S955del, S970del.
Identifiers: ClinVar variation 5009406 (VCV005009406.1).